The following is an entry in ClinVar:

ClinVar aggregate classification (germline): Uncertain significance (1 of 4 stars; one submission).

Conditions:
Dilated cardiomyopathy 1JJ (CMD1JJ). Identifiers: Orphanet 154, MedGen C3808935, MONDO:0014095, OMIM 615235.

Submission:

Labcorp Genetics (formerly Invitae), Labcorp
Classification: Uncertain significance for Dilated cardiomyopathy 1JJ. Last evaluated: 2023-03-14. Review status: criteria provided, single submitter. Criteria: Invitae Variant Classification Sherloc (09022015). Collection method: clinical testing. Allele origin: germline.
Comment: In summary, the available evidence is currently insufficient to determine the role of this variant in disease. Therefore, it has been classified as a Variant of Uncertain Significance. An algorithm developed to predict the effect of missense changes on protein structure and function (PolyPhen-2) suggests that this variant is likely to be disruptive. This variant has not been reported in the literature in individuals affected with LAMA4-related conditions. This variant is not present in population databases (gnomAD no frequency). This sequence change replaces isoleucine, which is neutral and non-polar, with methionine, which is neutral and non-polar, at codon 1535 of the LAMA4 protein (p.Ile1535Met).

NM_001105206.3(LAMA4):c.4626T>G (p.Ile1542Met)

Gene: LAMA4 (laminin subunit alpha 4; minus strand). Cytogenetic location: 6q21.
Variant type: single nucleotide variant.
Coding change: c.4626T>G on transcript NM_001105206.3 (MANE Select); coding-DNA position 4626, T replaced by G.
Protein change: p.Ile1542Met; replaces isoleucine 1542 with methionine.
Molecular consequence: missense variant.
Genome position (GRCh38, 1-based): chr6:112,120,322, A>C on the plus strand (T>G on the coding strand, the complement: LAMA4 is on the minus strand). VCF-style: chr6-112120322-A-C. GRCh37 (hg19) VCF-style: chr6-112441525-A-C.
Other names: c.4605T>G, p.Ile1535Met (NM_001105207.3, NM_002290.5); short protein forms I1535M, I1542M.
Identifiers: ClinVar variation 2845554 (VCV002845554.3), dbSNP rs150791451, ClinGen allele CA365369227.